The following is an entry in ClinVar:

NM_001197104.2(KMT2A):c.5570G>A (p.Ser1857Asn)

Gene: KMT2A (lysine methyltransferase 2A; plus strand). Cytogenetic location: 11q23.3.
Variant type: single nucleotide variant.
Coding change: c.5570G>A on transcript NM_001197104.2 (MANE Select); coding-DNA position 5570, G replaced by A.
Protein change: p.Ser1857Asn; replaces serine 1857 with asparagine.
Molecular consequence: missense variant.
Genome position (GRCh38, 1-based): chr11:118,496,273, G>A. VCF-style: chr11-118496273-G-A. GRCh37 (hg19) VCF-style: chr11-118366988-G-A.
Other names: c.5660G>A, p.Ser1887Asn (NM_001412597.1); c.5561G>A, p.Ser1854Asn (NM_005933.4); short protein forms S1854N, S1857N, S1887N.
Identifiers: ClinVar variation 4800544 (VCV004800544.1).

ClinVar aggregate classification (germline): Uncertain significance (1 of 4 stars; one submission).

Submission:

Labcorp Genetics (formerly Invitae), Labcorp
Classification: Uncertain significance. Last evaluated: 2025-08-31. Review status: criteria provided, single submitter. Criteria: Invitae Variant Classification Sherloc (09022015). Collection method: clinical testing. Allele origin: germline.
Comment: This sequence change replaces serine, which is neutral and polar, with asparagine, which is neutral and polar, at codon 1857 of the KMT2A protein (p.Ser1857Asn). This variant is not present in population databases (gnomAD no frequency). This variant has not been reported in the literature in individuals affected with KMT2A-related conditions. Invitae Evidence Modeling of protein sequence and biophysical properties (such as structural, functional, and spatial information, amino acid conservation, physicochemical variation, residue mobility, and thermodynamic stability) indicates that this missense variant is not expected to disrupt KMT2A protein function with a negative predictive value of 95%. In summary, the available evidence is currently insufficient to determine the role of this variant in disease. Therefore, it has been classified as a Variant of Uncertain Significance.